The following is an entry in ClinVar:

NM_001376571.1(MADD):c.4323G>C (p.Gln1441His)

Gene: MADD (MAP kinase activating death domain; plus strand). Cytogenetic location: 11p11.2.
Variant type: single nucleotide variant.
Coding change: c.4323G>C on transcript NM_001376571.1 (MANE Select); coding-DNA position 4323, G replaced by C.
Protein change: p.Gln1441His; replaces glutamine 1441 with histidine.
Molecular consequence: missense variant. On other transcripts: non-coding transcript variant (8), intron variant (1).
Genome position (GRCh38, 1-based): chr11:47,315,273, G>C. VCF-style: chr11-47315273-G-C. GRCh37 (hg19) VCF-style: chr11-47336824-G-C.
Other names: c.4014G>C, p.Gln1338His (NM_001135943.2); c.4005G>C, p.Gln1335His (NM_001135944.2, NM_001376618.1, NM_001376619.1 and 2 more transcripts); c.4311G>C, p.Gln1437His (NM_001376572.1, NM_001376573.1, NM_001376599.1 and 2 more transcripts); c.4269G>C, p.Gln1423His (NM_001376574.1, NM_001376605.1); c.4263G>C, p.Gln1421His (NM_001376575.1); c.4251G>C, p.Gln1417His (NM_001376576.1, NM_001376577.1, NM_001376610.1); c.4224G>C, p.Gln1408His (NM_001376578.1); c.4197G>C, p.Gln1399His (NM_001376579.1, NM_001376580.1, NM_001376622.1 and 1 more transcripts); and 43 more; short protein forms Q1160H, Q1230H, Q1279H, Q1291H, Q1301H, Q1306H, Q1308H, Q1309H.
Identifiers: ClinVar variation 3375870 (VCV003375870.1).

ClinVar aggregate classification (germline): Uncertain significance (1 of 4 stars; one submission).

Submission:

GeneDx
Classification: Uncertain significance. Last evaluated: 2024-05-05. Review status: criteria provided, single submitter. Criteria: GeneDx Variant Classification Process June 2021. Collection method: clinical testing. Allele origin: germline. Affected: yes.
Comment: Not observed at significant frequency in large population cohorts (gnomAD); In silico analysis supports that this missense variant has a deleterious effect on protein structure/function; Has not been previously published as pathogenic or benign to our knowledge